The following is an entry in ClinVar:

ClinVar aggregate classification (germline): Likely pathogenic. Review status: criteria provided, single submitter (1 of 4 stars). 2 submissions from 2 submitters: Likely pathogenic (1). 1 of the submissions does not count toward it. Last evaluated 2025-08-25.

Conditions:
Intellectual disability, X-linked 102 (MRXSSB). Also called: Intellectual developmental disorder, X-linked syndromic, Snijders Blok type. Identifiers: Orphanet 457260, MedGen C5393299, MONDO:0010497, OMIM 300958.
Medulloblastoma (MDB). Also called: MEDULLOBLASTOMA PREDISPOSITION SYNDROME; Medulloblastoma, somatic. Identifiers: Orphanet 616, MedGen C0025149, MeSH D008527, MONDO:0007959, OMIM 155255, HP:0002885.

Submissions (2):

Daryl Scott Lab, Baylor College of Medicine
Classification: Likely pathogenic for Intellectual disability, X-linked 102. Last evaluated: 2025-08-25. Review status: criteria provided, single submitter. Criteria: ACMG Guidelines, 2015. Collection method: clinical testing. Allele origin: de novo. Affected: yes. Observed: 1 heterozygote.
Comment: PS2, PM2, PP3

Donald Williams Parsons Laboratory, Baylor College of Medicine
Classification: other for MEDULLOBLASTOMA. Last evaluated: 2016-05-01. Review status: no assertion criteria provided. Collection method: clinical testing. Allele origin: somatic. Inheritance: Somatic mutation. Affected: yes. Study: CSER-BASIC3. Not counted in ClinVar's aggregate classification.

Literature cited by the submitters: PubMed 26822237 (cited by Donald Williams Parsons Laboratory, Baylor College of Medicine).

NM_001356.5(DDX3X):c.1033G>C (p.Val345Leu)

Gene: DDX3X (DEAD-box helicase 3 X-linked; plus strand). Cytogenetic location: Xp11.4.
Variant type: single nucleotide variant.
Coding change: c.1033G>C on transcript NM_001356.5 (MANE Select); coding-DNA position 1033, G replaced by C.
Protein change: p.Val345Leu; replaces valine 345 with leucine.
Molecular consequence: missense variant. On other transcripts: non-coding transcript variant (1).
Genome position (GRCh38, 1-based): chrX:41,345,187, G>C. VCF-style: chrX-41345187-G-C. GRCh37 (hg19) VCF-style: chrX-41204440-G-C.
Other names: c.1033G>C, p.Val345Leu (NM_001193416.3); c.985G>C, p.Val329Leu (NM_001193417.3); c.475G>C, p.Val159Leu (NM_001363819.1); short protein forms V345L, V329L, V159L.
Identifiers: ClinVar variation 438761 (VCV000438761.2), dbSNP rs1555953796, ClinGen allele CA412771237.